The following is an entry in ClinVar:

NM_153741.2(DPM3):c.21G>A (p.Trp7Ter)

Gene: DPM3 (dolichyl-phosphate mannosyltransferase subunit 3, regulatory; minus strand). Cytogenetic location: 1q22.
Variant type: single nucleotide variant.
Coding change: c.21G>A on transcript NM_153741.2 (MANE Select); coding-DNA position 21, G replaced by A.
Protein change: p.Trp7Ter; replaces tryptophan 7 with a stop codon.
Molecular consequence: nonsense.
Genome position (GRCh38, 1-based): chr1:155,140,220, C>T on the plus strand (G>A on the coding strand, the complement: DPM3 is on the minus strand). VCF-style: chr1-155140220-C-T. GRCh37 (hg19) VCF-style: chr1-155112696-C-T.
Other names: c.111G>A, p.Trp37Ter (NM_018973.4); short protein forms W7*, W37*.
Identifiers: ClinVar variation 658481 (VCV000658481.9), dbSNP rs1444066075, ClinGen allele CA342665006.
Genomic context (GRCh38, chr1:155,140,220, plus strand): 5'-GCCCAAGGCTCCCGTGGTCAGGGCCACCCAGGTGGAGCCCAGGATCGCTAGTCCCCAAAG[C>T]CACTGCGCTAATTTCGTCATGGTCACTGCGAGAGAAGGAAGCAATGCTCCCCTGAGGAGC-3'

ClinVar aggregate classification (germline): Pathogenic (1 of 4 stars; one submission).

Conditions:
DPM3-congenital disorder of glycosylation (MDDGC15). Also called: MUSCULAR DYSTROPHY-DYSTROGLYCANOPATHY (LIMB-GIRDLE), TYPE C, 15; CDG Io; CDG1(DPM3); DPM3-CDG. Identifiers: Orphanet 263494, MedGen C2752007, MONDO:0013049, OMIM 612937.

Allele frequency attached by ClinVar (database versions not stated): gnomAD exomes below 0.00001.
gnomAD v4.1: 1 of 1,614,116 alleles (0.000062%); no homozygotes.

Submission:

Labcorp Genetics (formerly Invitae), Labcorp
Classification: Pathogenic for DPM3-congenital disorder of glycosylation. Last evaluated: 2021-04-01. Review status: criteria provided, single submitter. Criteria: Invitae Variant Classification Sherloc (09022015). Collection method: clinical testing. Allele origin: germline.
Comment: This sequence change creates a premature translational stop signal (p.Trp7*) in the DPM3 gene. While this is not anticipated to result in nonsense mediated decay, it is expected to disrupt the last 86 amino acid(s) of the DPM3 protein. This variant is not present in population databases (ExAC no frequency). For these reasons, this variant has been classified as Pathogenic. This variant disrupts the C-terminus of the DPM3 protein. Other variant(s) that disrupt this region (p.Gln77*) have been determined to be pathogenic (Invitae). This suggests that variants that disrupt this region of the protein are likely to be causative of disease. This variant has not been reported in the literature in individuals with DPM3-related conditions.